The following is an entry in ClinVar:

NM_001851.6(COL9A1):c.1197+265C>T

Gene: COL9A1 (collagen type IX alpha 1 chain; minus strand). Cytogenetic location: 6q13.
Variant type: single nucleotide variant.
Coding change: c.1197+265C>T on transcript NM_001851.6 (MANE Select); 265 bases into the intron after coding-DNA position 1197, C replaced by T.
Molecular consequence: intron variant.
Genome position (GRCh38, 1-based): chr6:70,270,049, G>A on the plus strand (C>T on the coding strand, the complement: COL9A1 is on the minus strand). VCF-style: chr6-70270049-G-A. GRCh37 (hg19) VCF-style: chr6-70979752-G-A.
Other names: c.468+265C>T (NM_001377290.1, NM_078485.4, NM_001377289.1).
Identifiers: ClinVar variation 671310 (VCV000671310.1), dbSNP rs6913123, ClinGen allele CA140879195.

ClinVar aggregate classification (germline): Benign (1 of 4 stars; one submission).

Allele frequency attached by ClinVar (database versions not stated): gnomAD 0.04131 and 0.04227; TOPMed 0.04563; 1000 Genomes Project 0.06589; 1000 Genomes Project 30x 0.06793.
gnomAD v4.1: 6,376 of 152,166 alleles (4.2%); highest among the groups gnomAD compares: East Asian, 15%; 270 homozygotes.

Submission:

GeneDx
Classification: Benign. Last evaluated: 2018-06-14. Review status: criteria provided, single submitter. Criteria: GeneDx Variant Classification (06012015). Collection method: clinical testing. Allele origin: germline. Affected: yes.
Comment: This variant is considered likely benign or benign based on one or more of the following criteria: it is a conservative change, it occurs at a poorly conserved position in the protein, it is predicted to be benign by multiple in silico algorithms, and/or has population frequency not consistent with disease.